The following is an entry in ClinVar:

ClinVar aggregate classification (germline): Uncertain significance (1 of 4 stars; one submission).

Conditions:
Combined immunodeficiency due to DOCK8 deficiency (HIES2). Also called: DOCK8 Deficiency; HIES autosomal recessive; HYPER-IgE RECURRENT INFECTION SYNDROME 2, AUTOSOMAL RECESSIVE; HYPER-IgE SYNDROME 2, AUTOSOMAL RECESSIVE, WITH RECURRENT INFECTIONS; Hyper-IgE recurrent infection syndrome, autosomal recessive. Identifiers: Orphanet 217390, MedGen C4722305, MONDO:0009478, OMIM 243700.

Allele frequency attached by ClinVar (database versions not stated): gnomAD exomes below 0.00001.
gnomAD v4.1: 3 of 1,614,048 alleles (0.00019%); highest among the groups gnomAD compares: Admixed American, 0.005%; no homozygotes.

Submission:

Labcorp Genetics (formerly Invitae), Labcorp
Classification: Uncertain significance for Combined immunodeficiency due to DOCK8 deficiency. Last evaluated: 2022-02-20. Review status: criteria provided, single submitter. Criteria: Invitae Variant Classification Sherloc (09022015). Collection method: clinical testing. Allele origin: germline.
Comment: This sequence change replaces arginine, which is basic and polar, with lysine, which is basic and polar, at codon 509 of the DOCK8 protein (p.Arg509Lys). This variant is not present in population databases (gnomAD no frequency). This variant has not been reported in the literature in individuals affected with DOCK8-related conditions. ClinVar contains an entry for this variant (Variation ID: 1045478). Algorithms developed to predict the effect of missense changes on protein structure and function output the following: SIFT: "Tolerated"; PolyPhen-2: "Benign"; Align-GVGD: "Class C0". The lysine amino acid residue is found in multiple mammalian species, which suggests that this missense change does not adversely affect protein function. In summary, the available evidence is currently insufficient to determine the role of this variant in disease. Therefore, it has been classified as a Variant of Uncertain Significance.

NM_203447.4(DOCK8):c.1526G>A (p.Arg509Lys)

Gene: DOCK8 (dedicator of cytokinesis 8; plus strand). Cytogenetic location: 9p24.3.
Variant type: single nucleotide variant.
Coding change: c.1526G>A on transcript NM_203447.4 (MANE Select); coding-DNA position 1526, G replaced by A.
Protein change: p.Arg509Lys; replaces arginine 509 with lysine.
Molecular consequence: missense variant.
Genome position (GRCh38, 1-based): chr9:340,168, G>A. VCF-style: chr9-340168-G-A. GRCh37 (hg19) VCF-style: chr9-340168-G-A.
Other names: c.1322G>A, p.Arg441Lys (NM_001190458.2, NM_001193536.2); short protein forms R509K, R441K.
Identifiers: ClinVar variation 1045478 (VCV001045478.6), dbSNP rs2051509736, ClinGen allele CA372755287.
Genomic context (GRCh38, chr9:340,168, plus strand): 5'-CTCATAACATGACAGTTTCTTTACTAGAACATTCCTATTTTCTCTCTTTAGGCTTGCTAA[G>A]ACTGGAGATTTCTACAGCTCCAGAGATCATCAATTGCTGTCTGACTCCTGAAATGCTGCC-3'
Protein context (NP_982272.2, residues 499-519): RRVKSIPGLL[Arg509Lys]LEISTAPEII